The following is an entry in ClinVar:

ClinVar aggregate classification (germline): Uncertain significance. Review status: criteria provided, multiple submitters, no conflicts (2 of 4 stars). 2 submissions from 2 submitters: Uncertain significance (2). Last evaluated 2025-11-07.

Conditions:
Cardiovascular phenotype. Identifiers: MedGen CN230736.
Hypertrophic cardiomyopathy. Also called: HYPERTROPHIC MYOCARDIOPATHY. Identifiers: Orphanet 217569, MedGen C0007194, MeSH D002312, MONDO:0005045, HP:0001639.

Allele frequency attached by ClinVar (database versions not stated): gnomAD 0.00001; TOPMed 0.00002.
gnomAD v4.1: 4 of 1,578,180 alleles (0.00025%); highest among the groups gnomAD compares: African/African-American, 0.0027%; no homozygotes.

Submissions (2):

Ambry Genetics
Classification: Uncertain significance for Cardiovascular phenotype. Last evaluated: 2025-11-07. Review status: criteria provided, single submitter. Criteria: Ambry Variant Classification Scheme 2023. Collection method: clinical testing. Allele origin: germline.

Labcorp Genetics (formerly Invitae), Labcorp
Classification: Uncertain significance for Hypertrophic cardiomyopathy. Last evaluated: 2025-05-05. Review status: criteria provided, single submitter. Criteria: Invitae Variant Classification Sherloc (09022015). Collection method: clinical testing. Allele origin: germline.
Comment: This sequence change replaces serine, which is neutral and polar, with phenylalanine, which is neutral and non-polar, at codon 594 of the JPH2 protein (p.Ser594Phe). This variant is not present in population databases (gnomAD no frequency). This variant has not been reported in the literature in individuals affected with JPH2-related conditions. ClinVar contains an entry for this variant (Variation ID: 1395707). An algorithm developed to predict the effect of missense changes on protein structure and function (PolyPhen-2) suggests that this variant is likely to be tolerated. In summary, the available evidence is currently insufficient to determine the role of this variant in disease. Therefore, it has been classified as a Variant of Uncertain Significance.

NM_020433.5(JPH2):c.1781C>T (p.Ser594Phe)

Gene: JPH2 (junctophilin 2; minus strand). Cytogenetic location: 20q13.12.
Variant type: single nucleotide variant.
Coding change: c.1781C>T on transcript NM_020433.5 (MANE Select); coding-DNA position 1781, C replaced by T.
Protein change: p.Ser594Phe; replaces serine 594 with phenylalanine.
Molecular consequence: missense variant.
Genome position (GRCh38, 1-based): chr20:44,115,894, G>A on the plus strand (C>T on the coding strand, the complement: JPH2 is on the minus strand). VCF-style: chr20-44115894-G-A. GRCh37 (hg19) VCF-style: chr20-42744534-G-A.
Other names: short protein forms S594F.
Identifiers: ClinVar variation 1395707 (VCV001395707.9), dbSNP rs1036911295, ClinGen allele CA314642491.